The following is an entry in ClinVar:

NM_001267550.2(TTN):c.17843T>C (p.Ile5948Thr)

Gene: TTN (titin; minus strand). Cytogenetic location: 2q31.2.
Variant type: single nucleotide variant.
Coding change: c.17843T>C on transcript NM_001267550.2 (MANE Select); coding-DNA position 17843, T replaced by C.
Protein change: p.Ile5948Thr; replaces isoleucine 5948 with threonine.
Molecular consequence: missense variant. On other transcripts: intron variant (3).
Genome position (GRCh38, 1-based): chr2:178,730,690, A>G on the plus strand (T>C on the coding strand, the complement: TTN is on the minus strand). VCF-style: chr2-178730690-A-G. GRCh37 (hg19) VCF-style: chr2-179595417-A-G.
Other names: c.16892T>C, p.Ile5631Thr (NM_001256850.1); c.14111T>C, p.Ile4704Thr (NM_133378.4); c.13282+7392T>C (NM_003319.4); c.13858+7392T>C (NM_133437.4); c.13657+7392T>C (NM_133432.3); short protein forms I5631T, I5948T, I4704T.
Identifiers: ClinVar variation 2437937 (VCV002437937.4), dbSNP rs772946744, ClinGen allele CA60978942.
Genomic context (GRCh38, chr2:178,730,690, plus strand): 5'-GAGAATTTGTACTTTTCACTAGCTGATATTTCTTGGTCATCTTTGAACCACTGGATGCTT[A>G]TGGGATGTGACCCAGCCACTATACATTCTAAATCAATGAAAGAACCTTTAATGCTGTCCA-3'
Protein context (NP_001254479.2, residues 5938-5958): LECIVAGSHP[Ile5948Thr]SIQWFKDDQE

ClinVar aggregate classification (germline): Uncertain significance. Review status: criteria provided, multiple submitters, no conflicts (2 of 4 stars). 2 submissions from 2 submitters: Uncertain significance (2). Last evaluated 2025-07-10.

Conditions:
TTN-related disorder. Also called: TTN-related condition; TTN-related disease; TTN-related disorders.

Allele frequency attached by ClinVar (database versions not stated): gnomAD 0.00001; gnomAD exomes 0.00001; TOPMed 0.00002 and 0.00003.
gnomAD v4.1: 20 of 1,613,554 alleles (0.0012%); highest among the groups gnomAD compares: Non-Finnish European, 0.0017%; no homozygotes.

Submissions (2):

PreventionGenetics, part of Exact Sciences
Classification: Uncertain significance for TTN-related condition. Last evaluated: 2025-07-10. Review status: criteria provided, single submitter. Criteria: ACMG Guidelines, 2015. Collection method: clinical testing. Allele origin: germline.
Comment: The TTN c.17843T>C variant is predicted to result in the amino acid substitution p.Ile5948Thr. To our knowledge, this variant has not been reported in the literature. This variant is reported in 0.0027% of alleles in individuals of European (Non-Finnish) descent in gnomAD. At this time, the clinical significance of this variant is uncertain due to the absence of conclusive functional and genetic evidence.

Revvity Omics, Revvity
Classification: Uncertain significance. Last evaluated: 2020-02-21. Review status: criteria provided, single submitter. Criteria: ACMG Guidelines, 2015. Collection method: clinical testing. Allele origin: germline.